The following is an entry in ClinVar:

ClinVar aggregate classification (germline): Uncertain significance (1 of 4 stars; one submission).

Conditions:
T-B+ severe combined immunodeficiency due to JAK3 deficiency. Also called: SCID, T CELL-NEGATIVE, B CELL-POSITIVE, NK CELL-NEGATIVE; SCID, autosomal recessive, T-negative/B-positive type. Identifiers: Orphanet 35078, MedGen C1833275, MONDO:0010938, OMIM 600802.

Submission:

Labcorp Genetics (formerly Invitae), Labcorp
Classification: Uncertain significance for T-B+ severe combined immunodeficiency due to JAK3 deficiency. Last evaluated: 2022-08-19. Review status: criteria provided, single submitter. Criteria: Invitae Variant Classification Sherloc (09022015). Collection method: clinical testing. Allele origin: germline.
Comment: This sequence change replaces leucine, which is neutral and non-polar, with proline, which is neutral and non-polar, at codon 999 of the JAK3 protein (p.Leu999Pro). This variant is not present in population databases (gnomAD no frequency). This variant has not been reported in the literature in individuals affected with JAK3-related conditions. Algorithms developed to predict the effect of missense changes on protein structure and function (SIFT, PolyPhen-2, Align-GVGD) all suggest that this variant is likely to be disruptive. In summary, the available evidence is currently insufficient to determine the role of this variant in disease. Therefore, it has been classified as a Variant of Uncertain Significance.

NM_000215.4(JAK3):c.2996T>C (p.Leu999Pro)

Gene: JAK3 (Janus kinase 3; minus strand). Cytogenetic location: 19p13.11.
Variant type: single nucleotide variant.
Coding change: c.2996T>C on transcript NM_000215.4 (MANE Select); coding-DNA position 2996, T replaced by C.
Protein change: p.Leu999Pro; replaces leucine 999 with proline.
Molecular consequence: missense variant.
Genome position (GRCh38, 1-based): chr19:17,830,603, A>G on the plus strand (T>C on the coding strand, the complement: JAK3 is on the minus strand). VCF-style: chr19-17830603-A-G. GRCh37 (hg19) VCF-style: chr19-17941412-A-G.
Other names: short protein forms L999P.
Identifiers: ClinVar variation 1716968 (VCV001716968.3), dbSNP rs2514544427, ClinGen allele CA404764769.